The following is an entry in ClinVar:

NM_024675.4(PALB2):c.343G>T (p.Gly115Ter)

Gene: PALB2 (partner and localizer of BRCA2; minus strand). Cytogenetic location: 16p12.2.
Variant type: single nucleotide variant.
Coding change: c.343G>T on transcript NM_024675.4 (MANE Select); coding-DNA position 343, G replaced by T.
Protein change: p.Gly115Ter; replaces glycine 115 with a stop codon.
Molecular consequence: nonsense.
Genome position (GRCh38, 1-based): chr16:23,636,203, C>A on the plus strand (G>T on the coding strand, the complement: PALB2 is on the minus strand). VCF-style: chr16-23636203-C-A. GRCh37 (hg19) VCF-style: chr16-23647524-C-A.
Other names: short protein forms G115*.
Identifiers: ClinVar variation 823773 (VCV000823773.14), dbSNP rs1597099523, ClinGen allele CA395137728.
Genomic context (GRCh38, chr16:23,636,203, plus strand): 5'-GGTCACTGACCCTGTGGGGAAAATGTTCTTGGGTGTCATCTGTTCTTTGTATAGGTAATC[C>A]TCCTGGGCCATCTCCAGGGTTAAAGGACTCAGGCCCAACATCAAGTGTGATAGATGTCTT-3'

ClinVar aggregate classification (germline): Pathogenic. Review status: criteria provided, multiple submitters, no conflicts (2 of 4 stars). 3 submissions from 3 submitters: Pathogenic (3). Last evaluated 2024-02-07.

Conditions:
Hereditary cancer-predisposing syndrome. Also called: Neoplastic Syndromes, Hereditary; Tumor predisposition; Hereditary neoplastic syndrome; Hereditary Cancer Syndrome. Identifiers: Orphanet 140162, MedGen C0027672, MeSH D009386, MONDO:0015356.
Familial cancer of breast. Also called: BREAST CANCER, FAMILIAL; Hereditary breast cancer; hereditary breast carcinoma. Identifiers: Orphanet 227535, MedGen C0346153, MONDO:0016419, OMIM 114480. Disease mechanism: loss of function.

Submissions (3):

Labcorp Genetics (formerly Invitae), Labcorp
Classification: Pathogenic for Familial cancer of breast. Last evaluated: 2024-02-07. Review status: criteria provided, single submitter. Criteria: Invitae Variant Classification Sherloc (09022015). Collection method: clinical testing. Allele origin: germline.
Comment: This sequence change creates a premature translational stop signal (p.Gly115*) in the PALB2 gene. It is expected to result in an absent or disrupted protein product. Loss-of-function variants in PALB2 are known to be pathogenic (PMID: 17200668, 17200671, 17200672, 24136930, 25099575). This variant is not present in population databases (gnomAD no frequency). This variant has not been reported in the literature in individuals affected with PALB2-related conditions. ClinVar contains an entry for this variant (Variation ID: 823773). For these reasons, this variant has been classified as Pathogenic.

Myriad Genetics, Inc.
Classification: Pathogenic for Familial cancer of breast. Last evaluated: 2023-09-06. Review status: criteria provided, single submitter. Criteria: Myriad Autosomal Dominant, Autosomal Recessive and X-Linked Classification Criteria (2023). Collection method: clinical testing. Allele origin: unknown.
Comment: This variant is considered pathogenic. This variant creates a termination codon and is predicted to result in premature protein truncation.

Ambry Genetics
Classification: Pathogenic for Hereditary cancer-predisposing syndrome. Last evaluated: 2018-04-11. Review status: criteria provided, single submitter. Criteria: Ambry Variant Classification Scheme 2023. Collection method: clinical testing. Allele origin: germline.
Comment: The p.G115* pathogenic mutation (also known as c.343G>T), located in coding exon 4 of the PALB2 gene, results from a G to T substitution at nucleotide position 343. This changes the amino acid from a glycine to a stop codon within coding exon 4. This alteration is expected to result in loss of function by premature protein truncation or nonsense-mediated mRNA decay. As such, this alteration is interpreted as a disease-causing mutation.

Literature cited by the submitters: PubMed 17200668 (cited by Labcorp Genetics (formerly Invitae), Labcorp); PubMed 17200671 (cited by Labcorp Genetics (formerly Invitae), Labcorp); PubMed 17200672 (cited by Labcorp Genetics (formerly Invitae), Labcorp); PubMed 24136930 (cited by Labcorp Genetics (formerly Invitae), Labcorp); PubMed 25099575 (cited by Labcorp Genetics (formerly Invitae), Labcorp).